The following is an entry in ClinVar:

ClinVar aggregate classification (germline): Likely benign (1 of 4 stars; one submission).

Allele frequency attached by ClinVar (database versions not stated): TOPMed below 0.00001; gnomAD 0.00001.
gnomAD v4.1: 3 of 1,614,068 alleles (0.00019%); highest among the groups gnomAD compares: Middle Eastern, 0.016%; no homozygotes.

Submission:

CeGaT Center for Human Genetics Tuebingen
Classification: Likely benign. Last evaluated: 2024-05-01. Review status: criteria provided, single submitter. Criteria: CeGaT Center For Human Genetics Tuebingen Variant Classification Criteria Version 2. Collection method: clinical testing. Allele origin: germline. Affected: yes. Observed: 1 variant allele.
Comment: TRIO: BP4, BP7

NM_007118.4(TRIO):c.5856C>T (p.Ser1952=)

Gene: TRIO (trio Rho guanine nucleotide exchange factor; plus strand). Cytogenetic location: 5p15.2.
Variant type: single nucleotide variant.
Coding change: c.5856C>T on transcript NM_007118.4 (MANE Select); coding-DNA position 5856, C replaced by T.
Protein change: p.Ser1952=; no amino-acid change (serine 1952 retained).
Molecular consequence: synonymous variant. On other transcripts: non-coding transcript variant (1).
Genome position (GRCh38, 1-based): chr5:14,471,410, C>T. VCF-style: chr5-14471410-C-T. GRCh37 (hg19) VCF-style: chr5-14471519-C-T.
Identifiers: ClinVar variation 3239125 (VCV003239125.19), dbSNP rs1754675581.
Genomic context (GRCh38, chr5:14,471,410, plus strand): 5'-TGACCAGGGAGATAGTAGCAGCCCTTCCTTCAACCCTTCGGATAATTCCCTTCTCTCTTC[C>T]TCCTCGCCCATTGATGAGATGGAAGAAAGGAAATCCAGCTCTTTAAAGAGAAGACAGTAA-3'
Protein context (NP_009049.2, residues 1942-1962): FNPSDNSLLS[Ser1952=]SSPIDEMEER